The following is an entry in ClinVar:

ClinVar aggregate classification (germline): Uncertain significance. Review status: criteria provided, multiple submitters, no conflicts (2 of 4 stars). 4 submissions from 4 submitters: Uncertain significance (4). Last evaluated 2023-03-02.

Conditions:
Ataxia-telangiectasia syndrome (AT). Also called: Ataxia-telangiectasia, complementation group E; Ataxia telangiectasia (A-T); LOUIS-BAR SYNDROME; Ataxia-telangiectasia, complementation group D; AT, COMPLEMENTATION GROUP C; Ataxia-telangiectasia. Identifiers: Orphanet 100, MedGen C0004135, MONDO:0008840, OMIM 208900.
Hereditary cancer-predisposing syndrome. Also called: Neoplastic Syndromes, Hereditary; Hereditary neoplastic syndrome; Tumor predisposition; Hereditary Cancer Syndrome. Identifiers: Orphanet 140162, MedGen C0027672, MeSH D009386, MONDO:0015356.

Allele frequency attached by ClinVar (database versions not stated): gnomAD exomes 0.00009; ExAC 0.00063.

Submissions (4):

Ambry Genetics
Classification: Uncertain significance for Hereditary cancer-predisposing syndrome. Last evaluated: 2023-03-02. Review status: criteria provided, single submitter. Criteria: Ambry Variant Classification Scheme 2023. Collection method: clinical testing. Allele origin: germline.
Comment: The p.I191N variant (also known as c.572T>A), located in coding exon 5 of the ATM gene, results from a T to A substitution at nucleotide position 572. The isoleucine at codon 191 is replaced by asparagine, an amino acid with dissimilar properties. This alteration was confirmed in trans with ATM c.6679C>T in three siblings diagnosed with dystonia, almost absent ATM kinase activity and elevated AFP levels (Meissner WG et al. Mov Disord, 2013 Nov;28:1897-9). This amino acid position is highly conserved in available vertebrate species. In addition, the in silico prediction for this alteration is inconclusive. Since supporting evidence is limited at this time, the clinical significance of this alteration remains unclear.

GeneDx
Classification: Uncertain significance. Last evaluated: 2023-02-24. Review status: criteria provided, single submitter. Criteria: GeneDx Variant Classification Process June 2021. Collection method: clinical testing. Allele origin: germline. Affected: yes.
Comment: Published functional studies show reduced protein production, mislocalized protein, reduced phosphorylation of targets, and increased cell cycle time (Fievet et al., 2019); In silico analysis supports that this missense variant has a deleterious effect on protein structure/function; This variant is associated with the following publications: (PMID: 25572163, 33080427, 31050087, 23640770)

Color Diagnostics, LLC DBA Color Health
Classification: Uncertain significance for Hereditary cancer-predisposing syndrome. Last evaluated: 2022-04-18. Review status: criteria provided, single submitter. Criteria: ACMG Guidelines, 2015. Collection method: clinical testing. Allele origin: germline.
Comment: This missense variant replaces isoleucine with asparagine at codon 191 of the ATM protein. Computational prediction suggests that this variant may have deleterious impact on protein structure and function (internally defined REVEL score threshold >= 0.7, PMID: 27666373). This variant has been reported in the compound heterozygous state in 3 siblings affected with variant ataxia-telangiectasia (PMID: 23640770). In the same family, a healthy sibling did not have this variant and another healthy sibling was a carrier, indicating this variant segregates with disease (PMID: 23640770). Cell lines derived from 2 of the affected sibling showed reduced expression of ATM protein, nearly absent kinase activity, and sensitivity to radiation (PMID: 23640770). This variant has been identified in 22/249044 chromosomes in the general population by the Genome Aggregation Database (gnomAD). The available evidence is insufficient to determine the role of this variant in disease conclusively. Therefore, this variant is classified as a Variant of Uncertain Significance.

Labcorp Genetics (formerly Invitae), Labcorp
Classification: Uncertain significance for Ataxia-telangiectasia syndrome. Last evaluated: 2021-09-01. Review status: criteria provided, single submitter. Criteria: Invitae Variant Classification Sherloc (09022015). Collection method: clinical testing. Allele origin: germline.
Comment: This sequence change replaces isoleucine with asparagine at codon 191 of the ATM protein (p.Ile191Asn). The isoleucine residue is moderately conserved and there is a large physicochemical difference between isoleucine and asparagine. The frequency data for this variant in the population databases is considered unreliable, as metrics indicate poor data quality at this position in the ExAC database. This missense change has been observed in individual(s) with clinical features of ataxia telangiectasia (PMID: 23640770). In at least one individual the data is consistent with the variant being in trans (on the opposite chromosome) from a pathogenic variant. It has also been observed to segregate with disease in related individuals. ClinVar contains an entry for this variant (Variation ID: 837740). Algorithms developed to predict the effect of missense changes on protein structure and function (SIFT, PolyPhen-2, Align-GVGD) all suggest that this variant is likely to be disruptive. Experimental studies have shown that this missense change affects ATM function (PMID: 23640770). In summary, the available evidence is currently insufficient to determine the role of this variant in disease. Therefore, it has been classified as a Variant of Uncertain Significance.

Literature cited by the submitters: PubMed 23640770 (cited by 3 submitters).

NM_000051.4(ATM):c.572T>A (p.Ile191Asn)

Gene: ATM (ATM serine/threonine kinase; plus strand). Cytogenetic location: 11q22.3.
Variant type: single nucleotide variant.
Coding change: c.572T>A on transcript NM_000051.4 (MANE Select); coding-DNA position 572, T replaced by A.
Protein change: p.Ile191Asn; replaces isoleucine 191 with asparagine.
Molecular consequence: missense variant.
Genome position (GRCh38, 1-based): chr11:108,244,028, T>A. VCF-style: chr11-108244028-T-A. GRCh37 (hg19) VCF-style: chr11-108114755-T-A.
Other names: c.572T>A, p.Ile191Asn (NM_001351834.2); short protein forms I191N.
Identifiers: ClinVar variation 837740 (VCV000837740.11), dbSNP rs767132334, ClinGen allele CA6264630.
Genomic context (GRCh38, chr11:108,244,028, plus strand): 5'-ACTTCAGGCTCTATCTGAAACCTTCACAAGATGTTCATAGAGTTTTAGTGGCTAGAATAA[T>A]TCATGCTGTTACCAAAGGATGCTGTTCTCAGACTGACGGATTAAATTCCAAATTTTTGGA-3'
Protein context (NP_000042.3, residues 181-201): DVHRVLVARI[Ile191Asn]HAVTKGCCSQ